The following is an entry in ClinVar:

ClinVar aggregate classification (germline): Likely benign. Review status: criteria provided, multiple submitters, no conflicts (2 of 4 stars). 3 submissions from 3 submitters: Likely benign (2). 1 of the submissions does not count toward it. Last evaluated 2025-12-13.

Conditions:
Brugada syndrome 8 (BRGDA8). Identifiers: Orphanet 130, MedGen C2751083, MONDO:0013148, OMIM 613123.
HCN4-related disorder. Also called: HCN4-related condition.
Cardiovascular phenotype. Identifiers: MedGen CN230736.

Allele frequency attached by ClinVar (database versions not stated): gnomAD exomes 0.00001.
gnomAD v4.1: 7 of 1,420,504 alleles (0.00049%); highest among the groups gnomAD compares: South Asian, 0.0029%; no homozygotes.

Submissions (3):

Labcorp Genetics (formerly Invitae), Labcorp
Classification: Likely benign for Brugada syndrome 8. Last evaluated: 2025-12-13. Review status: criteria provided, single submitter. Criteria: Invitae Variant Classification Sherloc (09022015). Collection method: clinical testing. Allele origin: germline.

Ambry Genetics
Classification: Likely benign for Cardiovascular phenotype. Last evaluated: 2023-11-28. Review status: criteria provided, single submitter. Criteria: Ambry Variant Classification Scheme 2023. Collection method: clinical testing. Allele origin: germline.

PreventionGenetics, part of Exact Sciences
Classification: Likely benign for HCN4-related condition. Last evaluated: 2023-06-05. Review status: no assertion criteria provided. Collection method: clinical testing. Allele origin: germline. Not counted in ClinVar's aggregate classification.
Comment: This variant is classified as likely benign based on ACMG/AMP sequence variant interpretation guidelines (Richards et al. 2015 PMID: 25741868, with internal and published modifications).

NM_005477.3(HCN4):c.252G>A (p.Ala84=)

Gene: HCN4 (hyperpolarization activated cyclic nucleotide gated potassium channel 4; minus strand). Cytogenetic location: 15q24.1.
Variant type: single nucleotide variant.
Coding change: c.252G>A on transcript NM_005477.3 (MANE Select); coding-DNA position 252, G replaced by A.
Protein change: p.Ala84=; no amino-acid change (alanine 84 retained).
Molecular consequence: synonymous variant.
Genome position (GRCh38, 1-based): chr15:73,368,019, C>T on the plus strand (G>A on the coding strand, the complement: HCN4 is on the minus strand). VCF-style: chr15-73368019-C-T. GRCh37 (hg19) VCF-style: chr15-73660360-C-T.
Identifiers: ClinVar variation 969715 (VCV000969715.12), dbSNP rs2043137516, ClinGen allele CA491479418.